The following is an entry in ClinVar:

NM_020778.5(ALPK3):c.3400G>A (p.Ala1134Thr)

Gene: ALPK3 (alpha kinase 3; plus strand). Cytogenetic location: 15q25.3.
Variant type: single nucleotide variant.
Coding change: c.3400G>A on transcript NM_020778.5 (MANE Select); coding-DNA position 3400, G replaced by A.
Protein change: p.Ala1134Thr; replaces alanine 1134 with threonine.
Molecular consequence: missense variant.
Genome position (GRCh38, 1-based): chr15:84,858,138, G>A. VCF-style: chr15-84858138-G-A. GRCh37 (hg19) VCF-style: chr15-85401369-G-A.
Other names: short protein forms A1134T.
Identifiers: ClinVar variation 1471544 (VCV001471544.12), dbSNP rs761129046, ClinGen allele CA7709620.

ClinVar aggregate classification (germline): Uncertain significance. Review status: criteria provided, multiple submitters, no conflicts (2 of 4 stars). 3 submissions from 3 submitters: Uncertain significance (3). Last evaluated 2025-10-27.

Conditions:
Cardiovascular phenotype. Identifiers: MedGen CN230736.

Allele frequency attached by ClinVar (database versions not stated): gnomAD exomes 0.00001; ExAC 0.00002; gnomAD 0.00003; TOPMed 0.00005.
gnomAD v4.1: 12 of 1,601,296 alleles (0.00075%); highest among the groups gnomAD compares: African/African-American, 0.016%; no homozygotes.

Submissions (3):

GeneDx
Classification: Uncertain significance. Last evaluated: 2025-10-27. Review status: criteria provided, single submitter. Criteria: GeneDx Variant Classification Process June 2021. Collection method: clinical testing. Allele origin: germline. Affected: yes.
Comment: Not observed at significant frequency in large population cohorts (gnomAD); In silico analysis suggests that this missense variant does not alter protein structure/function; Has not been previously published as pathogenic or benign to our knowledge

Labcorp Genetics (formerly Invitae), Labcorp
Classification: Uncertain significance. Last evaluated: 2025-10-07. Review status: criteria provided, single submitter. Criteria: Invitae Variant Classification Sherloc (09022015). Collection method: clinical testing. Allele origin: germline.
Comment: This sequence change replaces alanine, which is neutral and non-polar, with threonine, which is neutral and polar, at codon 1336 of the ALPK3 protein (p.Ala1336Thr). This variant is present in population databases (rs761129046, gnomAD 0.01%). This variant has not been reported in the literature in individuals affected with ALPK3-related conditions. ClinVar contains an entry for this variant (Variation ID: 1471544). Invitae Evidence Modeling of protein sequence and biophysical properties (such as structural, functional, and spatial information, amino acid conservation, physicochemical variation, residue mobility, and thermodynamic stability) indicates that this missense variant is not expected to disrupt ALPK3 protein function with a negative predictive value of 80%. In summary, the available evidence is currently insufficient to determine the role of this variant in disease. Therefore, it has been classified as a Variant of Uncertain Significance.

Ambry Genetics
Classification: Uncertain significance for Cardiovascular phenotype. Last evaluated: 2024-03-01. Review status: criteria provided, single submitter. Criteria: Ambry Variant Classification Scheme 2023. Collection method: clinical testing. Allele origin: germline.